The following is an entry in ClinVar:

NM_000168.6(GLI3):c.4187C>A (p.Ala1396Asp)

Gene: GLI3 (GLI family zinc finger 3; minus strand). Cytogenetic location: 7p14.1.
Variant type: single nucleotide variant.
Coding change: c.4187C>A on transcript NM_000168.6 (MANE Select); coding-DNA position 4187, C replaced by A.
Protein change: p.Ala1396Asp; replaces alanine 1396 with aspartic acid.
Molecular consequence: missense variant.
Genome position (GRCh38, 1-based): chr7:41,964,886, G>T on the plus strand (C>A on the coding strand, the complement: GLI3 is on the minus strand). VCF-style: chr7-41964886-G-T. GRCh37 (hg19) VCF-style: chr7-42004484-G-T.
Other names: c.4187C>A (NM_000168.5); short protein forms A1396D.
Identifiers: ClinVar variation 1376301 (VCV001376301.10), dbSNP rs373003816, ClinGen allele CA4230175.
Genomic context (GRCh38, chr7:41,964,886, plus strand): 5'-CAGGTCTGACTTGTGTCACTGAGCTGTCCTGACTGCAGAGCAAGGCTGTCCCTCGGCATA[G>T]CCTGGCGCCTGCTGCCCCCAAAGCTGGCACATGGCTGGTAGCCCCTGACAACTGCCAAGC-3'
Protein context (NP_000159.3, residues 1386-1406): CASFGGSRRQ[Ala1396Asp]MPRDSLALQS

ClinVar aggregate classification (germline): Uncertain significance. Review status: criteria provided, multiple submitters, no conflicts (2 of 4 stars). 3 submissions from 3 submitters: Uncertain significance (3). Last evaluated 2025-04-02.

Conditions:
Inborn genetic diseases. Identifiers: MedGen C0950123, MeSH D030342.
Greig cephalopolysyndactyly syndrome (GCPS). Also called: GLI3-Related Greig Cephalopolysyndactyly Syndrome; POLYSYNDACTYLY WITH PECULIAR SKULL SHAPE; Greig syndrome. Identifiers: Orphanet 380, MedGen C0265306, MONDO:0008287, OMIM 175700.
Pallister-Hall syndrome (PHS). Also called: HYPOTHALAMIC HAMARTOBLASTOMA, HYPOPITUITARISM, IMPERFORATE ANUS, AND POSTAXIAL POLYDACTYLY; GLI3-Related Pallister-Hall Syndrome. Identifiers: Orphanet 672, MedGen C0265220, MONDO:0007804, OMIM 146510.
Polysyndactyly 4. Also called: Polysyndactyly uncomplicated; Preaxial polydactyly 4. Identifiers: Orphanet 93338, MedGen C1868111, MONDO:0008272, OMIM 174700.
Polydactyly, postaxial, type A1. Identifiers: MedGen C4282400, MONDO:0008266, OMIM 174200.

Allele frequency attached by ClinVar (database versions not stated): gnomAD 0.00001; ExAC 0.00003; gnomAD exomes 0.00003 and 0.00004; TOPMed 0.00003; ESP Exome Variant Server 0.00015.
gnomAD v4.1: 56 of 1,613,712 alleles (0.0035%); highest among the groups gnomAD compares: Non-Finnish European, 0.0047%; no homozygotes.

Submissions (3):

Ambry Genetics
Classification: Uncertain significance for Inborn genetic diseases. Last evaluated: 2025-04-02. Review status: criteria provided, single submitter. Criteria: Ambry Variant Classification Scheme 2023. Collection method: clinical testing. Allele origin: germline.

Fulgent Genetics
Classification: Uncertain significance for Pallister-Hall syndrome; Polydactyly, postaxial, type A1; Polysyndactyly 4; Greig cephalopolysyndactyly syndrome. Last evaluated: 2022-03-16. Review status: criteria provided, single submitter. Criteria: ACMG Guidelines, 2015. Collection method: clinical testing. Allele origin: unknown.

Labcorp Genetics (formerly Invitae), Labcorp
Classification: Uncertain significance for Pallister-Hall syndrome; Greig cephalopolysyndactyly syndrome. Last evaluated: 2021-07-04. Review status: criteria provided, single submitter. Criteria: Invitae Variant Classification Sherloc (09022015). Collection method: clinical testing. Allele origin: germline.
Comment: This sequence change replaces alanine with aspartic acid at codon 1396 of the GLI3 protein (p.Ala1396Asp). The alanine residue is moderately conserved and there is a moderate physicochemical difference between alanine and aspartic acid. This variant is present in population databases (rs373003816, ExAC 0.006%). This variant has not been reported in the literature in individuals affected with GLI3-related conditions. Algorithms developed to predict the effect of missense changes on protein structure and function (SIFT, PolyPhen-2, Align-GVGD) all suggest that this variant is likely to be tolerated. In summary, the available evidence is currently insufficient to determine the role of this variant in disease. Therefore, it has been classified as a Variant of Uncertain Significance.